The following is an entry in ClinVar:

ClinVar aggregate classification (germline): Uncertain significance (1 of 4 stars; one submission).

Conditions:
Agammaglobulinemia 4, autosomal recessive (AGM4). Also called: AGAMMAGLOBULINEMIA, AUTOSOMAL RECESSIVE, DUE TO BLNK DEFECT; B cell linker protein deficiency. Identifiers: MedGen C3150752, MONDO:0013289, OMIM 613502.

Allele frequency attached by ClinVar (database versions not stated): ExAC 0.00001; gnomAD exomes 0.00001 and 0.00002.
gnomAD v4.1: 8 of 1,613,908 alleles (0.0005%); highest among the groups gnomAD compares: South Asian, 0.0066%; no homozygotes.

Submission:

Labcorp Genetics (formerly Invitae), Labcorp
Classification: Uncertain significance for Agammaglobulinemia 4, autosomal recessive. Last evaluated: 2019-11-25. Review status: criteria provided, single submitter. Criteria: Invitae Variant Classification Sherloc (09022015). Collection method: clinical testing. Allele origin: germline.
Comment: This sequence change replaces proline with serine at codon 277 of the BLNK protein (p.Pro277Ser). The proline residue is highly conserved and there is a moderate physicochemical difference between proline and serine. In summary, the available evidence is currently insufficient to determine the role of this variant in disease. Therefore, it has been classified as a Variant of Uncertain Significance. Algorithms developed to predict the effect of missense changes on protein structure and function are either unavailable or do not agree on the potential impact of this missense change (SIFT: "Tolerated"; PolyPhen-2: "Possibly Damaging"; Align-GVGD: "Class C0"). This variant has not been reported in the literature in individuals with BLNK-related conditions. This variant is present in population databases (rs782411291, ExAC 0.001%).

NM_013314.4(BLNK):c.829C>T (p.Pro277Ser)

Genes: BLNK (B cell linker; minus strand), ZNF518A (zinc finger protein 518A; plus strand). Cytogenetic location: 10q24.1.
Variant type: single nucleotide variant.
Coding change: c.829C>T on transcript NM_013314.4 (MANE Select); coding-DNA position 829, C replaced by T.
Protein change: p.Pro277Ser; replaces proline 277 with serine.
Molecular consequence: missense variant. On other transcripts: non-coding transcript variant (5).
Genome position (GRCh38, 1-based): chr10:96,204,605, G>A on the plus strand (C>T on the coding strand, the complement: BLNK is on the minus strand). VCF-style: chr10-96204605-G-A. GRCh37 (hg19) VCF-style: chr10-97964361-G-A.
Other names: c.760C>T, p.Pro254Ser (NM_001114094.2, NM_001258441.2); c.829C>T, p.Pro277Ser (NM_001258440.2); c.514C>T, p.Pro172Ser (NM_001258442.2); short protein forms P172S, P254S, P277S.
Identifiers: ClinVar variation 835245 (VCV000835245.9), dbSNP rs782411291, ClinGen allele CA5623287.